The following is an entry in ClinVar:

NM_006206.6(PDGFRA):c.1357A>T (p.Ile453Phe)

Gene: PDGFRA (platelet derived growth factor receptor alpha; plus strand). Cytogenetic location: 4q12.
Variant type: single nucleotide variant.
Coding change: c.1357A>T on transcript NM_006206.6 (MANE Select); coding-DNA position 1357, A replaced by T.
Protein change: p.Ile453Phe; replaces isoleucine 453 with phenylalanine.
Molecular consequence: missense variant.
Genome position (GRCh38, 1-based): chr4:54,272,513, A>T. VCF-style: chr4-54272513-A-T. GRCh37 (hg19) VCF-style: chr4-55138680-A-T.
Other names: c.1357A>T (NM_006206.4); c.1357A>T, p.Ile453Phe (NM_001347827.2, NM_001347829.2); c.1432A>T, p.Ile478Phe (NM_001347828.2); c.1396A>T, p.Ile466Phe (NM_001347830.2); short protein forms I453F, I466F, I478F.
Identifiers: ClinVar variation 135029 (VCV000135029.10), dbSNP rs587778603, ClinGen allele CA161459.

ClinVar aggregate classification (germline): Conflicting classifications of pathogenicity. Review status: criteria provided, conflicting classifications (1 of 4 stars). 5 submissions from 5 submitters: Uncertain significance (3); Likely benign (1). 1 of the submissions does not count toward it. Last evaluated 2026-07-01.

Conditions:
Hereditary cancer-predisposing syndrome. Also called: Neoplastic Syndromes, Hereditary; Tumor predisposition; Hereditary neoplastic syndrome; Hereditary Cancer Syndrome. Identifiers: Orphanet 140162, MedGen C0027672, MeSH D009386, MONDO:0015356.
Gastrointestinal stromal tumor. Also called: Gastrointestinal stromal tumor, somatic; Gastrointestinal stroma tumor. Identifiers: Orphanet 44890, MedGen C0238198, MeSH D046152, MONDO:0011719, OMIM 606764, HP:0100723.

gnomAD v4.1: 1 of 1,613,972 alleles (0.000062%); highest among the groups gnomAD compares: African/African-American, 0.0013%; no homozygotes.

Submissions (5):

CeGaT Center for Human Genetics Tuebingen
Classification: Likely benign. Last evaluated: 2026-07-01. Review status: criteria provided, single submitter. Criteria: CeGaT Center For Human Genetics Tuebingen Variant Classification Criteria Version 2. Collection method: clinical testing. Allele origin: germline. Affected: yes. Observed: 1 variant allele.
Comment: PDGFRA: BP4

Ambry Genetics
Classification: Uncertain significance for Hereditary cancer-predisposing syndrome. Last evaluated: 2024-12-18. Review status: criteria provided, single submitter. Criteria: Ambry Variant Classification Scheme 2023. Collection method: clinical testing. Allele origin: germline.
Comment: The p.I453F variant (also known as c.1357A>T), located in coding exon 8 of the PDGFRA gene, results from an A to T substitution at nucleotide position 1357. The isoleucine at codon 453 is replaced by phenylalanine, an amino acid with highly similar properties. This amino acid position is conserved. In addition, the in silico prediction for this alteration is inconclusive. Based on the available evidence, the clinical significance of this variant remains unclear.

GeneDx
Classification: Uncertain significance. Last evaluated: 2024-07-03. Review status: criteria provided, single submitter. Criteria: GeneDx Variant Classification Process June 2021. Collection method: clinical testing. Allele origin: germline. Affected: yes.
Comment: Not observed at significant frequency in large population cohorts (gnomAD); In silico analysis indicates that this missense variant does not alter protein structure/function; Identified in healthy individuals undergoing whole genome sequencing (PMID: 24728327); This variant is associated with the following publications: (PMID: 24728327)

Labcorp Genetics (formerly Invitae), Labcorp
Classification: Uncertain significance for Gastrointestinal stromal tumor. Last evaluated: 2022-06-03. Review status: criteria provided, single submitter. Criteria: Invitae Variant Classification Sherloc (09022015). Collection method: clinical testing. Allele origin: germline.
Comment: In summary, the available evidence is currently insufficient to determine the role of this variant in disease. Therefore, it has been classified as a Variant of Uncertain Significance. Algorithms developed to predict the effect of missense changes on protein structure and function are either unavailable or do not agree on the potential impact of this missense change (SIFT: "Tolerated"; PolyPhen-2: "Possibly Damaging"; Align-GVGD: "Class C0"). ClinVar contains an entry for this variant (Variation ID: 135029). This variant has not been reported in the literature in individuals affected with PDGFRA-related conditions. This variant is not present in population databases (gnomAD no frequency). This sequence change replaces isoleucine, which is neutral and non-polar, with phenylalanine, which is neutral and non-polar, at codon 453 of the PDGFRA protein (p.Ile453Phe).

ITMI
No classification provided. Condition: AllHighlyPenetrant. Last evaluated: 2013-09-19. Review status: no classification provided. Collection method: reference population. Allele origin: germline. Not counted in ClinVar's aggregate classification.
Comment: Please see associated publication for description of ethnicities

Literature cited by the submitters: PubMed 24728327 (cited by ITMI).